The following is an entry in ClinVar:

ClinVar aggregate classification (germline): Uncertain significance. Review status: criteria provided, multiple submitters, no conflicts (2 of 4 stars). 2 submissions from 2 submitters: Uncertain significance (2). Last evaluated 2024-03-08.

Allele frequency attached by ClinVar (database versions not stated): gnomAD 0.00001; TOPMed 0.00001; ExAC 0.00002; gnomAD exomes 0.00003.
gnomAD v4.1: 41 of 1,613,798 alleles (0.0025%); highest among the groups gnomAD compares: East Asian, 0.0045%; no homozygotes.

Submissions (2):

Women's Health and Genetics/Laboratory Corporation of America, LabCorp
Classification: Uncertain significance. Last evaluated: 2024-03-08. Review status: criteria provided, single submitter. Criteria: LabCorp Variant Classification Summary - May 2015. Collection method: clinical testing. Allele origin: germline.
Comment: Variant summary: OBSL1 c.4240C>T (p.Arg1414Cys) results in a non-conservative amino acid change located in the Immunoglobulin subtype 2 domain (IPR003598) of the encoded protein sequence. Four of five in-silico tools predict a damaging effect of the variant on protein function. The variant allele was found at a frequency of 2e-05 in 249136 control chromosomes. The available data on variant occurrences in the general population are insufficient to allow any conclusion about variant significance. To our knowledge, no occurrence of c.4240C>T in individuals affected with Three M Syndrome 2 and no experimental evidence demonstrating its impact on protein function have been reported. ClinVar contains an entry for this variant (Variation ID: 2179019). Based on the evidence outlined above, the variant was classified as uncertain significance.

Labcorp Genetics (formerly Invitae), Labcorp
Classification: Uncertain significance. Last evaluated: 2022-03-29. Review status: criteria provided, single submitter. Criteria: Invitae Variant Classification Sherloc (09022015). Collection method: clinical testing. Allele origin: germline.
Comment: This sequence change replaces arginine, which is basic and polar, with cysteine, which is neutral and slightly polar, at codon 1414 of the OBSL1 protein (p.Arg1414Cys). This variant is present in population databases (rs763912596, gnomAD 0.006%). This variant has not been reported in the literature in individuals affected with OBSL1-related conditions. Algorithms developed to predict the effect of missense changes on protein structure and function are either unavailable or do not agree on the potential impact of this missense change (SIFT: "Deleterious"; PolyPhen-2: "Possibly Damaging"; Align-GVGD: "Class C0"). In summary, the available evidence is currently insufficient to determine the role of this variant in disease. Therefore, it has been classified as a Variant of Uncertain Significance.

NM_015311.3(OBSL1):c.4240C>T (p.Arg1414Cys)

Gene: OBSL1 (obscurin like cytoskeletal adaptor 1; minus strand). Cytogenetic location: 2q35.
Variant type: single nucleotide variant.
Coding change: c.4240C>T on transcript NM_015311.3 (MANE Select); coding-DNA position 4240, C replaced by T.
Protein change: p.Arg1414Cys; replaces arginine 1414 with cysteine.
Molecular consequence: missense variant.
Genome position (GRCh38, 1-based): chr2:219,556,550, G>A on the plus strand (C>T on the coding strand, the complement: OBSL1 is on the minus strand). VCF-style: chr2-219556550-G-A. GRCh37 (hg19) VCF-style: chr2-220421272-G-A.
Other names: c.4240C>T, p.Arg1414Cys (NM_001173431.2); short protein forms R1414C.
Identifiers: ClinVar variation 2179019 (VCV002179019.3), dbSNP rs763912596, ClinGen allele CA2130623.